The following is an entry in ClinVar:

NM_004973.4(JARID2):c.3463A>T (p.Asn1155Tyr)

Gene: JARID2 (jumonji and AT-rich interaction domain containing 2; plus strand). Cytogenetic location: 6p22.3.
Variant type: single nucleotide variant.
Coding change: c.3463A>T on transcript NM_004973.4 (MANE Select); coding-DNA position 3463, A replaced by T.
Protein change: p.Asn1155Tyr; replaces asparagine 1155 with tyrosine.
Molecular consequence: missense variant.
Genome position (GRCh38, 1-based): chr6:15,517,173, A>T. VCF-style: chr6-15517173-A-T. GRCh37 (hg19) VCF-style: chr6-15517404-A-T.
Other names: c.2947A>T, p.Asn983Tyr (NM_001267040.1); c.3463A>T (NM_004973.3); short protein forms N1155Y, N983Y.
Identifiers: ClinVar variation 2671955 (VCV002671955.2), dbSNP rs1771603883, ClinGen allele CA362803310.

ClinVar aggregate classification (germline): Uncertain significance. Review status: criteria provided, multiple submitters, no conflicts (2 of 4 stars). 2 submissions from 2 submitters: Uncertain significance (2). Last evaluated 2023-12-16.

Conditions:
Developmental delay with variable intellectual disability and dysmorphic facies. Identifiers: MedGen C5774242, MONDO:0859306, OMIM 620098.

Allele frequency attached by ClinVar (database versions not stated): TOPMed below 0.00001.

Submissions (2):

GeneDx
Classification: Uncertain significance. Last evaluated: 2023-12-16. Review status: criteria provided, single submitter. Criteria: GeneDx Variant Classification Process June 2021. Collection method: clinical testing. Allele origin: germline. Affected: yes.
Comment: Not observed at significant frequency in large population cohorts (gnomAD); In silico analysis supports that this missense variant has a deleterious effect on protein structure/function; Has not been previously published as pathogenic or benign to our knowledge

Baylor Genetics
Classification: Uncertain significance for Developmental delay with variable intellectual disability and dysmorphic facies. Last evaluated: 2023-10-19. Review status: criteria provided, single submitter. Criteria: ACMG Guidelines, 2015. Collection method: clinical testing. Allele origin: unknown.